The following is an entry in ClinVar:

ClinVar aggregate classification (germline): Uncertain significance. Review status: criteria provided, multiple submitters, no conflicts (2 of 4 stars). 2 submissions from 2 submitters: Uncertain significance (2). Last evaluated 2025-04-06.

Conditions:
Neurofibromatosis, type 1 (NF1). Also called: Neurofibromatosis, type I; VON RECKLINGHAUSEN DISEASE; NEUROFIBROMATOSIS, TYPE I, SOMATIC; Peripheral type neurofibromatosis. Identifiers: Orphanet 636, MedGen C0027831, MONDO:0018975, OMIM 162200. Disease mechanism: loss of function.
Hereditary cancer-predisposing syndrome. Also called: Hereditary Cancer Syndrome; Hereditary neoplastic syndrome; Neoplastic Syndromes, Hereditary; Tumor predisposition. Identifiers: Orphanet 140162, MedGen C0027672, MeSH D009386, MONDO:0015356.
Cardiovascular phenotype. Identifiers: MedGen CN230736.

Submissions (2):

Ambry Genetics
Classification: Uncertain significance for Cardiovascular phenotype; Hereditary cancer-predisposing syndrome. Last evaluated: 2025-04-06. Review status: criteria provided, single submitter. Criteria: Ambry Variant Classification Scheme 2023. Collection method: clinical testing. Allele origin: germline.
Comment: The p.M739V variant (also known as c.2215A>G), located in coding exon 18 of the NF1 gene, results from an A to G substitution at nucleotide position 2215. The methionine at codon 739 is replaced by valine, an amino acid with highly similar properties. This amino acid position is conserved. In addition, this alteration is predicted to be tolerated by in silico analysis. Based on the available evidence, the clinical significance of this variant remains unclear.

Labcorp Genetics (formerly Invitae), Labcorp
Classification: Uncertain significance for Neurofibromatosis, type 1. Last evaluated: 2024-02-15. Review status: criteria provided, single submitter. Criteria: Invitae Variant Classification Sherloc (09022015). Collection method: clinical testing. Allele origin: germline.
Comment: This sequence change replaces methionine, which is neutral and non-polar, with valine, which is neutral and non-polar, at codon 739 of the NF1 protein (p.Met739Val). This variant is not present in population databases (gnomAD no frequency). This variant has not been reported in the literature in individuals affected with NF1-related conditions. Advanced modeling of protein sequence and biophysical properties (such as structural, functional, and spatial information, amino acid conservation, physicochemical variation, residue mobility, and thermodynamic stability) performed at Invitae indicates that this missense variant is not expected to disrupt NF1 protein function with a negative predictive value of 95%. In summary, the available evidence is currently insufficient to determine the role of this variant in disease. Therefore, it has been classified as a Variant of Uncertain Significance.

NM_001042492.3(NF1):c.2215A>G (p.Met739Val)

Gene: NF1 (neurofibromin 1; plus strand). Cytogenetic location: 17q11.2.
Variant type: single nucleotide variant.
Coding change: c.2215A>G on transcript NM_001042492.3 (MANE Select); coding-DNA position 2215, A replaced by G.
Protein change: p.Met739Val; replaces methionine 739 with valine.
Molecular consequence: missense variant.
Genome position (GRCh38, 1-based): chr17:31,226,648, A>G. VCF-style: chr17-31226648-A-G. GRCh37 (hg19) VCF-style: chr17-29553666-A-G.
Other names: c.2215A>G, p.Met739Val (NM_000267.4); short protein forms M739V.
Identifiers: ClinVar variation 2838424 (VCV002838424.4), dbSNP rs2151426084, ClinGen allele CA398982512.